The following is an entry in ClinVar:

NM_002864.3(PZP):c.234G>A (p.Ala78=)

Genes: KLRG1 (killer cell lectin like receptor G1; plus strand), PZP (PZP alpha-2-macroglobulin like; minus strand). Cytogenetic location: 12p13.31.
Variant type: single nucleotide variant.
Coding change: c.234G>A on transcript NM_002864.3 (MANE Select); coding-DNA position 234, G replaced by A.
Protein change: p.Ala78=; no amino-acid change (alanine 78 retained).
Molecular consequence: synonymous variant.
Genome position (GRCh38, 1-based): chr12:9,203,801, C>T on the plus strand (G>A on the coding strand, the complement: PZP is on the minus strand). VCF-style: chr12-9203801-C-T. GRCh37 (hg19) VCF-style: chr12-9356397-C-T.
Identifiers: ClinVar variation 2642695 (VCV002642695.24), dbSNP rs368446783, ClinGen allele CA6440503.

ClinVar aggregate classification (germline): Likely benign (1 of 4 stars; one submission).

Allele frequency attached by ClinVar (database versions not stated): gnomAD 0.00005; ExAC 0.00006; TOPMed 0.00006; gnomAD exomes 0.00011; ESP Exome Variant Server 0.00015.
gnomAD v4.1: 181 of 1,613,966 alleles (0.011%); highest among the groups gnomAD compares: Non-Finnish European, 0.013%; no homozygotes.

Submission:

CeGaT Center for Human Genetics Tuebingen
Classification: Likely benign. Last evaluated: 2022-05-01. Review status: criteria provided, single submitter. Criteria: CeGaT Center For Human Genetics Tuebingen Variant Classification Criteria Version 2. Collection method: clinical testing. Allele origin: germline. Affected: yes. Observed: 1 variant allele.
Comment: PZP: BP4, BP7